The following is an entry in ClinVar:

NM_022575.4(VPS16):c.2491C>T (p.Arg831Trp)

Genes: PTPRA (protein tyrosine phosphatase receptor type A; plus strand), VPS16 (VPS16 core subunit of CORVET and HOPS complexes; plus strand). Cytogenetic location: 20p13.
Variant type: single nucleotide variant.
Coding change: c.2491C>T on transcript NM_022575.4 (MANE Select); coding-DNA position 2491, C replaced by T.
Protein change: p.Arg831Trp; replaces arginine 831 with tryptophan.
Molecular consequence: missense variant. On other transcripts: intron variant (1).
Genome position (GRCh38, 1-based): chr20:2,866,545, C>T. VCF-style: chr20-2866545-C-T. GRCh37 (hg19) VCF-style: chr20-2847191-C-T.
Other names: c.2059C>T, p.Arg687Trp (NM_080413.3); c.-129+1228C>T (NM_002836.4); short protein forms R687W, R831W.
Identifiers: ClinVar variation 3336125 (VCV003336125.1).
Genomic context (GRCh38, chr20:2,866,545, plus strand): 5'-AGCCTCGTATTGTCCCACTGCACGGGAGCCACAGATGGGGCCACAGCTGACAAGATTCAA[C>T]GGGCCAGGGCACAAGCCCAGAAGAAGTGAGGAGTCCATCCTGTACATCTCAAGCAAGGGG-3'
Protein context (NP_072097.2, residues 821-839): TDGATADKIQ[Arg831Trp]ARAQAQKK

ClinVar aggregate classification (germline): Uncertain significance (1 of 4 stars; one submission).

gnomAD v4.1: 31 of 1,614,040 alleles (0.0019%); highest among the groups gnomAD compares: African/African-American, 0.011%; no homozygotes.

Submission:

Women's Health and Genetics/Laboratory Corporation of America, LabCorp
Classification: Uncertain significance. Last evaluated: 2024-05-07. Review status: criteria provided, single submitter. Criteria: LabCorp Variant Classification Summary - May 2015. Collection method: clinical testing. Allele origin: germline.
Comment: Variant summary: VPS16 c.2491C>T (p.Arg831Trp) results in a non-conservative amino acid change located in the Vps16, C-terminal (IPR006925) of the encoded protein sequence. Four of five in-silico tools predict a damaging effect of the variant on protein function. The variant allele was found at a frequency of 1.6e-05 in 251310 control chromosomes. The available data on variant occurrences in the general population are insufficient to allow any conclusion about variant significance. To our knowledge, no occurrence of c.2491C>T in individuals affected with Dystonia 30 and no experimental evidence demonstrating its impact on protein function have been reported. No submitters have cited clinical-significance assessments for this variant to ClinVar. Based on the evidence outlined above, the variant was classified as uncertain significance.